The following is an entry in ClinVar:

ClinVar aggregate classification (germline): Benign/Likely benign. Review status: criteria provided, multiple submitters, no conflicts (2 of 4 stars). 4 submissions from 4 submitters: Benign (1); Likely benign (3). Last evaluated 2026-01-31.

Conditions:
Hereditary cancer-predisposing syndrome. Also called: Hereditary Cancer Syndrome; Neoplastic Syndromes, Hereditary; Tumor predisposition; Hereditary neoplastic syndrome. Identifiers: Orphanet 140162, MedGen C0027672, MeSH D009386, MONDO:0015356.
Familial cancer of breast. Also called: BREAST CANCER, FAMILIAL; Hereditary breast cancer; hereditary breast carcinoma. Identifiers: Orphanet 227535, MedGen C0346153, MONDO:0016419, OMIM 114480. Disease mechanism: loss of function.

Allele frequency attached by ClinVar (database versions not stated): gnomAD exomes below 0.00001; TOPMed 0.00001; ExAC 0.00002.

Submissions (4):

Labcorp Genetics (formerly Invitae), Labcorp
Classification: Likely benign for Familial cancer of breast. Last evaluated: 2026-01-31. Review status: criteria provided, single submitter. Criteria: Invitae Variant Classification Sherloc (09022015). Collection method: clinical testing. Allele origin: germline.

Myriad Genetics, Inc.
Classification: Benign for Familial cancer of breast. Last evaluated: 2024-10-02. Review status: criteria provided, single submitter. Criteria: Myriad Autosomal Dominant, Autosomal Recessive and X-Linked Classification Criteria (2023). Collection method: clinical testing. Allele origin: unknown.
Comment: This variant is considered benign. This variant is a silent/synonymous amino acid change and it is not expected to impact splicing.

Color Diagnostics, LLC DBA Color Health
Classification: Likely benign for Hereditary cancer-predisposing syndrome. Last evaluated: 2017-06-22. Review status: criteria provided, single submitter. Criteria: ACMG Guidelines, 2015. Collection method: clinical testing. Allele origin: germline.

Ambry Genetics
Classification: Likely benign for Hereditary cancer-predisposing syndrome. Last evaluated: 2017-02-10. Review status: criteria provided, single submitter. Criteria: Ambry Variant Classification Scheme 2023. Collection method: clinical testing. Allele origin: germline.

NM_007194.4(CHEK2):c.570A>T (p.Ala190=)

Gene: CHEK2 (checkpoint kinase 2; minus strand). Cytogenetic location: 22q12.1.
Variant type: single nucleotide variant.
Coding change: c.570A>T on transcript NM_007194.4 (MANE Select); coding-DNA position 570, A replaced by T.
Protein change: p.Ala190=; no amino-acid change (alanine 190 retained).
Molecular consequence: synonymous variant. On other transcripts: 5 prime UTR variant (2), intron variant (1).
Genome position (GRCh38, 1-based): chr22:28,724,999, T>A on the plus strand (A>T on the coding strand, the complement: CHEK2 is on the minus strand). VCF-style: chr22-28724999-T-A. GRCh37 (hg19) VCF-style: chr22-29120987-T-A.
Other names: c.663A>T, p.Ala221= (NM_001438293.1, NM_001438295.1); c.699A>T, p.Ala233= (NM_001438294.1, NM_001005735.3); c.-208A>T (NM_001257387.3); c.-94A>T (NM_001437942.1); c.570A>T, p.Ala190= (NM_145862.3); c.445-76A>T (NM_001349956.3).
Identifiers: ClinVar variation 479596 (VCV000479596.11), dbSNP rs754689169, ClinGen allele CA10167980.
Genomic context (GRCh38, chr22:28,724,999, plus strand): 5'-AAAAAAAAATTCCAGTAACCATAAGATAATAATATTACCTTTATTTCTGCTTAGTGACAG[T>A]GCAATTTCAGAATTGTTATTCAAAGGACGGCGTTTTCCTTTCCCTACAAGCTCTGTATTT-3'
Protein context (NP_009125.1, residues 180-200): RRPLNNNSEI[Ala190=]LSLSRNKVFV